The following is an entry in ClinVar:

ClinVar aggregate classification (germline): Likely pathogenic (0 of 4 stars; one submission).

Conditions:
LAMA2-related disorder. Also called: LAMA2-related condition; LAMA2-related disorders.

gnomAD v4.1: 3 of 1,614,058 alleles (0.00019%); highest among the groups gnomAD compares: Non-Finnish European, 0.00025%; no homozygotes.

Submission:

PreventionGenetics, part of Exact Sciences
Classification: Likely pathogenic for LAMA2-related condition. Last evaluated: 2023-10-31. Review status: no assertion criteria provided. Collection method: clinical testing. Allele origin: germline.
Comment: The LAMA2 c.4689G>A variant is predicted to result in premature protein termination (p.Trp1563*). To our knowledge, this variant has not been reported in the literature or in a large population database, indicating this variant is rare. Nonsense variants in LAMA2 are expected to be pathogenic. This variant is interpreted as likely pathogenic.

NM_000426.4(LAMA2):c.4689G>A (p.Trp1563Ter)

Gene: LAMA2 (laminin subunit alpha 2; plus strand). Cytogenetic location: 6q22.33.
Variant type: single nucleotide variant.
Coding change: c.4689G>A on transcript NM_000426.4 (MANE Select); coding-DNA position 4689, G replaced by A.
Protein change: p.Trp1563Ter; replaces tryptophan 1563 with a stop codon.
Molecular consequence: nonsense.
Genome position (GRCh38, 1-based): chr6:129,353,329, G>A. VCF-style: chr6-129353329-G-A. GRCh37 (hg19) VCF-style: chr6-129674474-G-A.
Other names: c.4689G>A, p.Trp1563Ter (NM_001079823.2); short protein forms W1563*.
Identifiers: ClinVar variation 3030116 (VCV003030116.2), dbSNP rs1776964566, ClinGen allele CA365618813.